The following is an entry in ClinVar:

NM_001009944.3(PKD1):c.9006G>A (p.Ser3002=)

Gene: PKD1 (polycystin 1, transient receptor potential channel interacting; minus strand). Cytogenetic location: 16p13.3.
Variant type: single nucleotide variant.
Coding change: c.9006G>A on transcript NM_001009944.3 (MANE Select); coding-DNA position 9006, G replaced by A.
Protein change: p.Ser3002=; no amino-acid change (serine 3002 retained).
Molecular consequence: synonymous variant.
Genome position (GRCh38, 1-based): chr16:2,102,576, C>T on the plus strand (G>A on the coding strand, the complement: PKD1 is on the minus strand). VCF-style: chr16-2102576-C-T. GRCh37 (hg19) VCF-style: chr16-2152577-C-T.
Other names: c.9006G>A (NM_000296.3); c.9006G>A, p.Ser3002= (NM_000296.4).
Identifiers: ClinVar variation 3058400 (VCV003058400.4), dbSNP rs367709319, ClinGen allele CA7830223.
Genomic context (GRCh38, chr16:2,102,576, plus strand): 5'-GTCCTCCTCGCTGAAGTACTGGCACAGGGACGTGTACAGGCCCACGGACACCTGCAGCGC[C>T]GACCAGCGGAAGTGGCTGGAGAGGTTCAGATGGTAACTCCCCGCTGGGTCTCTGCTCCTG-3'
Protein context (NP_001009944.3, residues 2992-3012): HLNLSSHFRW[Ser3002=]ALQVSVGLYT

ClinVar aggregate classification (germline): Likely benign. Review status: criteria provided, multiple submitters, no conflicts (2 of 4 stars). 3 submissions from 3 submitters: Likely benign (2). 1 of the submissions does not count toward it. Last evaluated 2024-11-18.

Conditions:
PKD1-related disorder. Also called: PKD1-related condition.
Inborn genetic diseases. Identifiers: MedGen C0950123, MeSH D030342.

Allele frequency attached by ClinVar (database versions not stated): TOPMed 0.00003; gnomAD 0.00007; ESP Exome Variant Server 0.00008; gnomAD exomes 0.00015; ExAC 0.00037; 1000 Genomes Project 30x 0.00047; 1000 Genomes Project 0.00060.
gnomAD v4.1: 223 of 1,611,118 alleles (0.014%); highest among the groups gnomAD compares: South Asian, 0.23%; 2 homozygotes.

Submissions (3):

Blueprint Genetics
Classification: Likely benign. Last evaluated: 2024-11-18. Review status: criteria provided, single submitter. Criteria: ACMG Guidelines, 2015. Collection method: clinical testing. Allele origin: germline.

Ambry Genetics
Classification: Likely benign for Inborn genetic diseases. Last evaluated: 2024-03-16. Review status: criteria provided, single submitter. Criteria: Ambry Variant Classification Scheme 2023. Collection method: clinical testing. Allele origin: germline.

PreventionGenetics, part of Exact Sciences
Classification: Likely benign for PKD1-related condition. Last evaluated: 2022-06-07. Review status: no assertion criteria provided. Collection method: clinical testing. Allele origin: germline. Not counted in ClinVar's aggregate classification.
Comment: This variant is classified as likely benign based on ACMG/AMP sequence variant interpretation guidelines (Richards et al. 2015 PMID: 25741868, with internal and published modifications).